The following is an entry in ClinVar:

NM_001042492.3(NF1):c.7099C>G (p.Leu2367Val)

Gene: NF1 (neurofibromin 1; plus strand). Cytogenetic location: 17q11.2.
Variant type: single nucleotide variant.
Coding change: c.7099C>G on transcript NM_001042492.3 (MANE Select); coding-DNA position 7099, C replaced by G.
Protein change: p.Leu2367Val; replaces leucine 2367 with valine.
Molecular consequence: missense variant.
Genome position (GRCh38, 1-based): chr17:31,343,045, C>G. VCF-style: chr17-31343045-C-G. GRCh37 (hg19) VCF-style: chr17-29670063-C-G.
Other names: c.7036C>G, p.Leu2346Val (NM_000267.4); short protein forms L2346V, L2367V.
Identifiers: ClinVar variation 1484287 (VCV001484287.9), dbSNP rs1259241665, ClinGen allele CA399015580.

ClinVar aggregate classification (germline): Uncertain significance. Review status: criteria provided, multiple submitters, no conflicts (2 of 4 stars). 3 submissions from 3 submitters: Uncertain significance (3). Last evaluated 2025-10-22.

Conditions:
Cardiovascular phenotype. Identifiers: MedGen CN230736.
Hereditary cancer-predisposing syndrome. Also called: Neoplastic Syndromes, Hereditary; Tumor predisposition; Hereditary neoplastic syndrome; Hereditary Cancer Syndrome. Identifiers: Orphanet 140162, MedGen C0027672, MeSH D009386, MONDO:0015356.
Neurofibromatosis, type 1 (NF1). Also called: NEUROFIBROMATOSIS, TYPE I, SOMATIC; Neurofibromatosis, type I; VON RECKLINGHAUSEN DISEASE; Peripheral type neurofibromatosis. Identifiers: Orphanet 636, MedGen C0027831, MONDO:0018975, OMIM 162200. Disease mechanism: loss of function.

Submissions (3):

Quest Diagnostics Nichols Institute San Juan Capistrano
Classification: Uncertain significance. Last evaluated: 2025-10-22. Review status: criteria provided, single submitter. Criteria: Quest Diagnostics criteria. Collection method: clinical testing. Allele origin: unknown.

Labcorp Genetics (formerly Invitae), Labcorp
Classification: Uncertain significance for Neurofibromatosis, type 1. Last evaluated: 2023-11-17. Review status: criteria provided, single submitter. Criteria: Invitae Variant Classification Sherloc (09022015). Collection method: clinical testing. Allele origin: germline.
Comment: This sequence change replaces leucine, which is neutral and non-polar, with valine, which is neutral and non-polar, at codon 2346 of the NF1 protein (p.Leu2346Val). This variant is not present in population databases (gnomAD no frequency). This variant has not been reported in the literature in individuals affected with NF1-related conditions. ClinVar contains an entry for this variant (Variation ID: 1484287). Advanced modeling of protein sequence and biophysical properties (such as structural, functional, and spatial information, amino acid conservation, physicochemical variation, residue mobility, and thermodynamic stability) has been performed at Invitae for this missense variant, however the output from this modeling did not meet the statistical confidence thresholds required to predict the impact of this variant on NF1 protein function. In summary, the available evidence is currently insufficient to determine the role of this variant in disease. Therefore, it has been classified as a Variant of Uncertain Significance.

Ambry Genetics
Classification: Uncertain significance for Cardiovascular phenotype; Hereditary cancer-predisposing syndrome. Last evaluated: 2020-04-24. Review status: criteria provided, single submitter. Criteria: Ambry Variant Classification Scheme 2023. Collection method: clinical testing. Allele origin: germline.
Comment: The p.L2346V variant (also known as c.7036C>G), located in coding exon 47 of the NF1 gene, results from a C to G substitution at nucleotide position 7036. The leucine at codon 2346 is replaced by valine, an amino acid with highly similar properties. This amino acid position is highly conserved in available vertebrate species. In addition, the in silico prediction for this alteration is inconclusive. Since supporting evidence is limited at this time, the clinical significance of this alteration remains unclear.